The following is an entry in ClinVar:

ClinVar aggregate classification (germline): Conflicting classifications of pathogenicity. Review status: criteria provided, conflicting classifications (1 of 4 stars). 8 submissions from 8 submitters: Uncertain significance (7); Likely benign (1). Last evaluated 2026-09-25.

Conditions:
PALB2-related disorder. Also called: PALB2-related disorders; PALB2-related condition.
Hereditary cancer-predisposing syndrome. Also called: Neoplastic Syndromes, Hereditary; Tumor predisposition; Hereditary Cancer Syndrome; Hereditary neoplastic syndrome. Identifiers: Orphanet 140162, MedGen C0027672, MeSH D009386, MONDO:0015356.
Hereditary breast ovarian cancer syndrome. Also called: BRCA1- and BRCA2-Associated Hereditary Breast and Ovarian Cancer; Hereditary breast and ovarian cancer syndrome; Hereditary breast and ovarian cancer syndrome (HBOC); Breast and ovarian cancer; Hereditary breast and ovarian cancer; Hereditary breast and/or ovarian cancer syndrome. Identifiers: Orphanet 145, MedGen C0677776, MeSH D061325, MONDO:0003582. Disease mechanism: loss of function.
Familial cancer of breast. Also called: hereditary breast carcinoma; BREAST CANCER, FAMILIAL; Hereditary breast cancer. Identifiers: Orphanet 227535, MedGen C0346153, MONDO:0016419, OMIM 114480. Disease mechanism: loss of function.

Allele frequency attached by ClinVar (database versions not stated): gnomAD 0.00001; gnomAD exomes 0.00001; TOPMed 0.00003.
gnomAD v4.1: 5 of 1,614,000 alleles (0.00031%); highest among the groups gnomAD compares: East Asian, 0.0089%; no homozygotes.

Submissions (8):

PreventionGenetics, part of Exact Sciences
Classification: Uncertain significance for PALB2-related condition. Last evaluated: 2026-09-25. Review status: criteria provided, single submitter. Criteria: ACMG Guidelines, 2015. Collection method: clinical testing. Allele origin: germline.
Comment: The PALB2 c.661G>A variant is predicted to result in the amino acid substitution p.Val221Ile. This variant was reported in an individual with breast cancer (Zhang et al. 2017. PubMed ID: 28825143). It is reported in 0.011% of alleles in individuals of East Asian descent in gnomAD and has conflicting interpretations in ClinVar ranging from likely benign to uncertain (Variation ID: 410168). Although we suspect that this variant may be benign, at this time, the clinical significance of this variant is uncertain due to the absence of conclusive functional and genetic evidence.

Labcorp Genetics (formerly Invitae), Labcorp
Classification: Uncertain significance for Familial cancer of breast. Last evaluated: 2026-01-14. Review status: criteria provided, single submitter. Criteria: Invitae Variant Classification Sherloc (09022015). Collection method: clinical testing. Allele origin: germline.
Comment: This sequence change replaces valine, which is neutral and non-polar, with isoleucine, which is neutral and non-polar, at codon 221 of the PALB2 protein (p.Val221Ile). This variant is present in population databases (no rsID available, gnomAD 0.01%). This missense change has been observed in individual(s) with breast cancer (PMID: 28825143). ClinVar contains an entry for this variant (Variation ID: 410168). An algorithm developed to predict the effect of missense changes on protein structure and function outputs the following: PolyPhen-2: "Benign". The isoleucine amino acid residue is found in multiple mammalian species, which suggests that this missense change does not adversely affect protein function. In summary, the available evidence is currently insufficient to determine the role of this variant in disease. Therefore, it has been classified as a Variant of Uncertain Significance.

Molecular Pathology, Peter Maccallum Cancer Centre
Classification: Uncertain significance for Familial cancer of breast. Last evaluated: 2024-01-31. Review status: criteria provided, single submitter. Criteria: ACMG Guidelines, 2015. Collection method: clinical testing. Allele origin: germline. Inheritance: Autosomal dominant inheritance.

Color Diagnostics, LLC DBA Color Health
Classification: Uncertain significance for Hereditary cancer-predisposing syndrome. Last evaluated: 2023-12-06. Review status: criteria provided, single submitter. Criteria: ACMG Guidelines, 2015. Collection method: clinical testing. Allele origin: germline.
Comment: This missense variant replaces valine with isoleucine at codon 221 of the PALB2 protein. Computational prediction suggests that this variant may not impact protein structure and function. To our knowledge, functional studies have not been reported for this variant. This variant has been reported in an individual affected with breast cancer (PMID: 28825143) and in a breast cancer case-control meta-analysis in 2/60466 cases and 1/53461 unaffected individuals (PMID: 33471991; Leiden Open Variation Database DB-ID PALB2_011145). This variant has been identified in 2/251302 chromosomes in the general population by the Genome Aggregation Database (gnomAD). The available evidence is insufficient to determine the role of this variant in disease conclusively. Therefore, this variant is classified as a Variant of Uncertain Significance.

Quest Diagnostics Nichols Institute San Juan Capistrano
Classification: Uncertain significance. Last evaluated: 2023-08-30. Review status: criteria provided, single submitter. Criteria: Quest Diagnostics criteria. Collection method: clinical testing. Allele origin: unknown.
Comment: In the published literature, this variant has been reported in individuals with breast cancer (PMID: 28825143 (2017), 33471991 (2021), see also LOVD) as well as in an unaffected individual (PMID: 33471991 (2021), see also LOVD). The frequency of this variant in the general population, 0.000008 (2/251302 chromosomes (Genome Aggregation Database)), is uninformative in the assessment of its pathogenicity. Analysis of this variant using bioinformatics tools for the prediction of the effect of amino acid changes on protein structure and function yielded predictions that this variant is benign. Based on the available information, we are unable to determine the clinical significance of this variant.

GeneDx
Classification: Uncertain significance. Last evaluated: 2023-08-22. Review status: criteria provided, single submitter. Criteria: GeneDx Variant Classification Process June 2021. Collection method: clinical testing. Allele origin: germline. Affected: yes.
Comment: Not observed at significant frequency in large population cohorts (gnomAD); In silico analysis supports that this missense variant does not alter protein structure/function; Observed in individuals with familial breast cancer (Zhang et al., 2017); This variant is associated with the following publications: (PMID: 19369211, 35205366, 36292577, 28825143)

Department of Pathology and Laboratory Medicine, Sinai Health System
Classification: Uncertain significance for Hereditary breast ovarian cancer syndrome. Last evaluated: 2022-07-13. Review status: criteria provided, single submitter. Criteria: ACMG Guidelines, 2015. Collection method: clinical testing. Allele origin: germline. Affected: yes.

Ambry Genetics
Classification: Likely benign for Hereditary cancer-predisposing syndrome. Last evaluated: 2019-03-11. Review status: criteria provided, single submitter. Criteria: Ambry Variant Classification Scheme 2023. Collection method: clinical testing. Allele origin: germline.

Literature cited by the submitters: PubMed 28825143 (cited by 4 submitters); PubMed 33471991 (cited by Color Diagnostics, LLC DBA Color Health and Quest Diagnostics Nichols Institute San Juan Capistrano).

NM_024675.4(PALB2):c.661G>A (p.Val221Ile)

Gene: PALB2 (partner and localizer of BRCA2; minus strand). Cytogenetic location: 16p12.2.
Variant type: single nucleotide variant.
Coding change: c.661G>A on transcript NM_024675.4 (MANE Select); coding-DNA position 661, G replaced by A.
Protein change: p.Val221Ile; replaces valine 221 with isoleucine.
Molecular consequence: missense variant.
Genome position (GRCh38, 1-based): chr16:23,635,885, C>T on the plus strand (G>A on the coding strand, the complement: PALB2 is on the minus strand). VCF-style: chr16-23635885-C-T. GRCh37 (hg19) VCF-style: chr16-23647206-C-T.
Other names: short protein forms V221I.
Identifiers: ClinVar variation 410168 (VCV000410168.25), dbSNP rs1060502773, ClinGen allele CA16615301.
Genomic context (GRCh38, chr16:23,635,885, plus strand): 5'-TAGGTCTTCTTAGGAATGTATCAACACCTTTTTCTGGTTGGGCAGTTGGTGGAATTAATA[C>T]ACTGTCTTCATTAATTTCTGTAACTGGTTCTGGAGAATCTGGAAGTTCAGATTTAAGACT-3'
Protein context (NP_078951.2, residues 211-231): EPVTEINEDS[Val221Ile]LIPPTAQPEK